The following is an entry in ClinVar:

NM_003072.5(SMARCA4):c.4106_4144del (p.Arg1369_Ser1382delinsPro)

Gene: SMARCA4 (SWI/SNF related BAF chromatin remodeling complex subunit ATPase 4; plus strand). Cytogenetic location: 19p13.2.
Variant type: Deletion.
Coding change: c.4106_4144del on transcript NM_003072.5 (MANE Select); coding-DNA positions 4106 to 4144, 39 bases deleted.
Protein change: p.Arg1369_Ser1382delinsPro.
Molecular consequence: inframe indel. On other transcripts: non-coding transcript variant (1).
Genome position (GRCh38, 1-based): chr19:11,035,068-11,035,106, 39 bases deleted. GRCh37 (hg19): chr19:11,145,744-11,145,782.
Other names: c.4106_4144del, p.Arg1369_Ser1382delinsPro (NM_001128844.3, NM_001128849.3, NM_001387283.1); c.4007_4045del, p.Arg1336_Ser1349delinsPro (NM_001128845.2, NM_001128846.2, NM_001128847.4 and 3 more transcripts); c.4106_4144del39 (NM_001128849.3).
Identifiers: ClinVar variation 4537254 (VCV004537254.1).

ClinVar aggregate classification (germline): Likely pathogenic (1 of 4 stars; one submission).

Conditions:
Coffin-Siris syndrome. Identifiers: Orphanet 1465, MedGen C0265338, MONDO:0015452.

Submission:

Women's Health and Genetics/Laboratory Corporation of America, LabCorp
Classification: Likely pathogenic for Coffin-Siris syndrome. Last evaluated: 2025-11-28. Review status: criteria provided, single submitter. Criteria: LabCorp Variant Classification Summary - May 2015. Collection method: clinical testing. Allele origin: germline.
Comment: Variant summary: SMARCA4 c.4106_4144del39 (p.Arg1369_Ser1382delinsPro) results in an in-frame deletion-insertion that is predicted to result in deletion of 14 amino acids and insertion of one amino acid in the protein. The variant was absent in 247650 control chromosomes. To our knowledge, no experimental evidence demonstrating an impact of this variant on protein function have been reported. No submitters have cited clinical-significance assessments for this variant to ClinVar. Based on the evidence outlined above, the variant was classified as likely pathogenic.